The following is an entry in ClinVar:

NM_000268.4(NF2):c.1439C>A (p.Thr480Lys)

Gene: NF2 (NF2, moesin-ezrin-radixin like (MERLIN) tumor suppressor; plus strand). Cytogenetic location: 22q12.2.
Variant type: single nucleotide variant.
Coding change: c.1439C>A on transcript NM_000268.4 (MANE Select); coding-DNA position 1439, C replaced by A.
Protein change: p.Thr480Lys; replaces threonine 480 with lysine.
Molecular consequence: missense variant. On other transcripts: non-coding transcript variant (1), intron variant (1).
Genome position (GRCh38, 1-based): chr22:29,674,934, C>A. VCF-style: chr22-29674934-C-A. GRCh37 (hg19) VCF-style: chr22-30070923-C-A.
Other names: c.1439C>A, p.Thr480Lys (NM_016418.5, NM_181825.3, NM_181832.3); c.1313C>A, p.Thr438Lys (NM_181828.3); c.1316C>A, p.Thr439Lys (NM_181829.3); c.1190C>A, p.Thr397Lys (NM_181830.3, NM_181831.3); c.448-19818C>A (NM_181833.3); short protein forms T397K, T480K, T439K, T438K.
Identifiers: ClinVar variation 819214 (VCV000819214.11), dbSNP rs145666157, ClinGen allele CA411149210.

ClinVar aggregate classification (germline): Uncertain significance. Review status: criteria provided, multiple submitters, no conflicts (2 of 4 stars). 2 submissions from 2 submitters: Uncertain significance (2). Last evaluated 2025-02-09.

Conditions:
Hereditary cancer-predisposing syndrome. Also called: Tumor predisposition; Hereditary Cancer Syndrome; Hereditary neoplastic syndrome; Neoplastic Syndromes, Hereditary. Identifiers: Orphanet 140162, MedGen C0027672, MeSH D009386, MONDO:0015356.
Neurofibromatosis, type 2 (SWNV). Also called: BILATERAL ACOUSTIC NEUROFIBROMATOSIS; SCHWANNOMATOSIS, VESTIBULAR; NF2-Related Schwannomatosis. Identifiers: Orphanet 637, MedGen C0027832, MONDO:0007039, OMIM 101000. Disease mechanism: loss of function.

Allele frequency attached by ClinVar (database versions not stated): TOPMed 0.00001.
gnomAD v4.1: 3 of 1,565,086 alleles (0.00019%); highest among the groups gnomAD compares: Non-Finnish European, 0.00026%; no homozygotes.

Submissions (2):

Ambry Genetics
Classification: Uncertain significance for Hereditary cancer-predisposing syndrome. Last evaluated: 2025-02-09. Review status: criteria provided, single submitter. Criteria: Ambry Variant Classification Scheme 2023. Collection method: clinical testing. Allele origin: germline.
Comment: The p.T480K variant (also known as c.1439C>A), located in coding exon 13 of the NF2 gene, results from a C to A substitution at nucleotide position 1439. The threonine at codon 480 is replaced by lysine, an amino acid with similar properties. This amino acid position is not well conserved in available vertebrate species. In addition, this alteration is predicted to be tolerated by in silico analysis. Since supporting evidence is limited at this time, the clinical significance of this alteration remains unclear.

Labcorp Genetics (formerly Invitae), Labcorp
Classification: Uncertain significance for Neurofibromatosis, type 2. Last evaluated: 2024-06-09. Review status: criteria provided, single submitter. Criteria: Invitae Variant Classification Sherloc (09022015). Collection method: clinical testing. Allele origin: germline.
Comment: This sequence change replaces threonine, which is neutral and polar, with lysine, which is basic and polar, at codon 480 of the NF2 protein (p.Thr480Lys). This variant is not present in population databases (gnomAD no frequency). This variant has not been reported in the literature in individuals affected with NF2-related conditions. ClinVar contains an entry for this variant (Variation ID: 819214). Advanced modeling of protein sequence and biophysical properties (such as structural, functional, and spatial information, amino acid conservation, physicochemical variation, residue mobility, and thermodynamic stability) performed at Invitae indicates that this missense variant is not expected to disrupt NF2 protein function with a negative predictive value of 80%. In summary, the available evidence is currently insufficient to determine the role of this variant in disease. Therefore, it has been classified as a Variant of Uncertain Significance.